The following is an entry in ClinVar:

NM_001134707.2(SARDH):c.2304C>T (p.Ile768=)

Gene: SARDH (sarcosine dehydrogenase; minus strand). Cytogenetic location: 9q34.2.
Variant type: single nucleotide variant.
Coding change: c.2304C>T on transcript NM_001134707.2 (MANE Select); coding-DNA position 2304, C replaced by T.
Protein change: p.Ile768=; no amino-acid change (isoleucine 768 retained).
Molecular consequence: synonymous variant.
Genome position (GRCh38, 1-based): chr9:133,671,557, G>A on the plus strand (C>T on the coding strand, the complement: SARDH is on the minus strand). VCF-style: chr9-133671557-G-A. GRCh37 (hg19) VCF-style: chr9-136536679-G-A.
Other names: c.2304C>T, p.Ile768= (NM_007101.4).
Identifiers: ClinVar variation 3059243 (VCV003059243.2), dbSNP rs129932, ClinGen allele CA5313973.

ClinVar aggregate classification (germline): Benign (0 of 4 stars; one submission).

Conditions:
SARDH-related disorder. Also called: SARDH-related condition.

Allele frequency attached by ClinVar (database versions not stated): ESP Exome Variant Server 0.48144; TOPMed 0.52087; 1000 Genomes Project 0.58327; 1000 Genomes Project 30x 0.58385.
gnomAD v4.1: 746,612 of 1,605,978 alleles (46%); highest among the groups gnomAD compares: East Asian, 78%; 178,125 homozygotes.

Submission:

PreventionGenetics, part of Exact Sciences
Classification: Benign for SARDH-related condition. Last evaluated: 2019-10-17. Review status: no assertion criteria provided. Collection method: clinical testing. Allele origin: germline.
Comment: This variant is classified as benign based on ACMG/AMP sequence variant interpretation guidelines (Richards et al. 2015 PMID: 25741868, with internal and published modifications).